The following is an entry in ClinVar:

NM_001458.5(FLNC):c.2229del (p.Trp744fs)

Gene: FLNC (filamin C; plus strand). Cytogenetic location: 7q32.1.
Variant type: Deletion.
Coding change: c.2229del on transcript NM_001458.5 (MANE Select); coding-DNA position 2229, one base deleted (C; older notation c.2229delC).
Protein change: p.Trp744fs; shifts the reading frame from tryptophan 744.
Molecular consequence: frameshift variant.
Genome position (GRCh38, 1-based): chr7:128,842,338, C deleted; the last of 2 consecutive C bases (chr7:128,842,337-128,842,338); deleting either gives the same sequence. VCF-style (leftmost placement, unchanged base first): chr7-128842336-TC-T. GRCh37 (hg19) VCF-style: chr7-128482390-TC-T.
Other names: c.2229del, p.Trp744fs (NM_001127487.2); short protein forms W744fs.
Identifiers: ClinVar variation 3757761 (VCV003757761.2).

ClinVar aggregate classification (germline): Pathogenic (1 of 4 stars; one submission).

Conditions:
Distal myopathy with posterior leg and anterior hand involvement. Also called: WILLIAMS DISTAL MYOPATHY. Identifiers: Orphanet 63273, MedGen C3279722, MONDO:0013550, OMIM 614065.
Hypertrophic cardiomyopathy 26. Also called: Cardiomyopathy, familial hypertrophic, 26. Identifiers: Orphanet 75249, MedGen C4310749, MONDO:0014883, OMIM 617047.
Myofibrillar myopathy 5. Also called: Filaminopathy (type); FILAMINOPATHY, AUTOSOMAL DOMINANT. Identifiers: Orphanet 171445, MedGen C1836050, MONDO:0012289, OMIM 609524.

Submission:

Labcorp Genetics (formerly Invitae), Labcorp
Classification: Pathogenic for Distal myopathy with posterior leg and anterior hand involvement; Myofibrillar myopathy 5; Hypertrophic cardiomyopathy 26. Last evaluated: 2025-11-21. Review status: criteria provided, single submitter. Criteria: Invitae Variant Classification Sherloc (09022015). Collection method: clinical testing. Allele origin: germline.
Comment: This sequence change creates a premature translational stop signal (p.Trp744Glyfs*4) in the FLNC gene. It is expected to result in an absent or disrupted protein product. Loss-of-function variants in FLNC are known to be pathogenic (PMID: 27908349). This variant is not present in population databases (gnomAD no frequency). This variant has not been reported in the literature in individuals affected with FLNC-related conditions. ClinVar contains an entry for this variant (Variation ID: 3757761). For these reasons, this variant has been classified as Pathogenic.

Literature cited by the submitters: PubMed 27908349.